The following is an entry in ClinVar:

NM_006440.5(TXNRD2):c.1258G>A (p.Gly420Arg)

Gene: TXNRD2 (thioredoxin reductase 2; minus strand). Cytogenetic location: 22q11.21.
Variant type: single nucleotide variant.
Coding change: c.1258G>A on transcript NM_006440.5 (MANE Select); coding-DNA position 1258, G replaced by A.
Protein change: p.Gly420Arg; replaces glycine 420 with arginine.
Molecular consequence: missense variant. On other transcripts: non-coding transcript variant (1).
Genome position (GRCh38, 1-based): chr22:19,880,196, C>T on the plus strand (G>A on the coding strand, the complement: TXNRD2 is on the minus strand). VCF-style: chr22-19880196-C-T. GRCh37 (hg19) VCF-style: chr22-19867719-C-T.
Other names: c.1255G>A, p.Gly419Arg (NM_001352300.2); c.1168G>A, p.Gly390Arg (NM_001352301.2); c.970G>A, p.Gly324Arg (NM_001352302.2); short protein forms G324R, G390R, G419R, G420R.
Identifiers: ClinVar variation 1762359 (VCV001762359.6), dbSNP rs565329400, ClinGen allele CA10103734.

ClinVar aggregate classification (germline): Uncertain significance. Review status: criteria provided, multiple submitters, no conflicts (2 of 4 stars). 2 submissions from 2 submitters: Uncertain significance (2). Last evaluated 2025-03-02.

Conditions:
Cardiovascular phenotype. Identifiers: MedGen CN230736.
Primary dilated cardiomyopathy (DCM). Also called: Dilated Cardiomyopathy. Identifiers: Orphanet 217604, MedGen C0007193, MeSH D002311, MONDO:0005021, HP:0001644. Inheritance: Various modes of inheritance.

Allele frequency attached by ClinVar (database versions not stated): TOPMed 0.00002; ExAC 0.00003; gnomAD 0.00005; 1000 Genomes Project 30x 0.00016; 1000 Genomes Project 0.00020.
gnomAD v4.1: 25 of 1,613,300 alleles (0.0015%); highest among the groups gnomAD compares: East Asian, 0.011%; no homozygotes.

Submissions (2):

Ambry Genetics
Classification: Uncertain significance for Cardiovascular phenotype. Last evaluated: 2025-03-02. Review status: criteria provided, single submitter. Criteria: Ambry Variant Classification Scheme 2023. Collection method: clinical testing. Allele origin: germline.
Comment: The p.G420R variant (also known as c.1258G>A), located in coding exon 14 of the TXNRD2 gene, results from a G to A substitution at nucleotide position 1258. The glycine at codon 420 is replaced by arginine, an amino acid with dissimilar properties. This amino acid position is conserved. In addition, this alteration is predicted to be deleterious by in silico analysis. Since supporting evidence is limited at this time, the clinical significance of this alteration remains unclear.

Labcorp Genetics (formerly Invitae), Labcorp
Classification: Uncertain significance for Primary dilated cardiomyopathy. Last evaluated: 2023-03-10. Review status: criteria provided, single submitter. Criteria: Invitae Variant Classification Sherloc (09022015). Collection method: clinical testing. Allele origin: germline.
Comment: In summary, the available evidence is currently insufficient to determine the role of this variant in disease. Therefore, it has been classified as a Variant of Uncertain Significance. Advanced modeling of protein sequence and biophysical properties (such as structural, functional, and spatial information, amino acid conservation, physicochemical variation, residue mobility, and thermodynamic stability) performed at Invitae indicates that this missense variant is not expected to disrupt TXNRD2 protein function. ClinVar contains an entry for this variant (Variation ID: 1762359). This variant has not been reported in the literature in individuals affected with TXNRD2-related conditions. This variant is present in population databases (rs565329400, gnomAD 0.03%). This sequence change replaces glycine, which is neutral and non-polar, with arginine, which is basic and polar, at codon 420 of the TXNRD2 protein (p.Gly420Arg).